The following is an entry in ClinVar:

ClinVar aggregate classification (germline): Uncertain significance (1 of 4 stars; one submission).

Conditions:
Inborn genetic diseases. Identifiers: MedGen C0950123, MeSH D030342.

Submission:

Ambry Genetics
Classification: Uncertain significance for Inborn genetic diseases. Last evaluated: 2025-05-02. Review status: criteria provided, single submitter. Criteria: Ambry Variant Classification Scheme 2023. Collection method: clinical testing. Allele origin: germline.
Comment: The p.D158V variant (also known as c.473A>T), located in coding exon 3 of the ANKRD26 gene, results from an A to T substitution at nucleotide position 473. The aspartic acid at codon 158 is replaced by valine, an amino acid with highly dissimilar properties. This amino acid position is conserved. In addition, this alteration is predicted to be tolerated by in silico analysis. Based on the available evidence, the clinical significance of this variant remains unclear.

NM_014915.3(ANKRD26):c.473A>T (p.Asp158Val)

Gene: ANKRD26 (ankyrin repeat domain containing 26; minus strand). Cytogenetic location: 10p12.1.
Variant type: single nucleotide variant.
Coding change: c.473A>T on transcript NM_014915.3 (MANE Select); coding-DNA position 473, A replaced by T.
Protein change: p.Asp158Val; replaces aspartic acid 158 with valine.
Molecular consequence: missense variant.
Genome position (GRCh38, 1-based): chr10:27,093,407, T>A on the plus strand (A>T on the coding strand, the complement: ANKRD26 is on the minus strand). VCF-style: chr10-27093407-T-A. GRCh37 (hg19) VCF-style: chr10-27382336-T-A.
Other names: c.473A>T, p.Asp158Val (NM_001256053.2); short protein forms D158V.
Identifiers: ClinVar variation 3914109 (VCV003914109.1).